The following is an entry in ClinVar:

NM_177438.3(DICER1):c.2097T>G (p.Cys699Trp)

Gene: DICER1 (dicer 1, ribonuclease III; minus strand). Cytogenetic location: 14q32.13.
Variant type: single nucleotide variant.
Coding change: c.2097T>G on transcript NM_177438.3 (MANE Select); coding-DNA position 2097, T replaced by G.
Protein change: p.Cys699Trp; replaces cysteine 699 with tryptophan.
Molecular consequence: missense variant. On other transcripts: non-coding transcript variant (6).
Genome position (GRCh38, 1-based): chr14:95,112,191, A>C on the plus strand (T>G on the coding strand, the complement: DICER1 is on the minus strand). VCF-style: chr14-95112191-A-C. GRCh37 (hg19) VCF-style: chr14-95578528-A-C.
Other names: c.2097T>G, p.Cys699Trp (NM_001195573.1, NM_001271282.3, NM_001291628.2 and 12 more transcripts); c.1815T>G, p.Cys605Trp (NM_001395686.1); c.1692T>G, p.Cys564Trp (NM_001395687.1, NM_001395688.1, NM_001395689.1 and 3 more transcripts); c.1530T>G, p.Cys510Trp (NM_001395691.1); c.414T>G, p.Cys138Trp (NM_001395697.1); short protein forms C510W, C699W, C138W, C564W, C605W.
Identifiers: ClinVar variation 4637079 (VCV004637079.1).
Genomic context (GRCh38, chr14:95,112,191, plus strand): 5'-CAATTTATTTTCATTCGTATATGCTTTTCAAACATCCTTACCAATTTTGTGCAGTTTCTC[A>C]CAGCAAATGAGAGCTACAACTCTTTCAGCCAATCGTACACAGCTCATTGGTGGACCCTGA-3'
Protein context (NP_803187.1, residues 689-709): LAERVVALIC[Cys699Trp]EKLHKIGELD

ClinVar aggregate classification (germline): Uncertain significance (1 of 4 stars; one submission).

Conditions:
Hereditary cancer-predisposing syndrome. Also called: Neoplastic Syndromes, Hereditary; Tumor predisposition; Hereditary Cancer Syndrome; Hereditary neoplastic syndrome. Identifiers: Orphanet 140162, MedGen C0027672, MeSH D009386, MONDO:0015356.

Submission:

Ambry Genetics
Classification: Uncertain significance for Hereditary cancer-predisposing syndrome. Last evaluated: 2025-10-07. Review status: criteria provided, single submitter. Criteria: Ambry Variant Classification Scheme 2023. Collection method: clinical testing. Allele origin: germline.
Comment: The p.C699W variant (also known as c.2097T>G), located in coding exon 12 of the DICER1 gene, results from a T to G substitution at nucleotide position 2097. The cysteine at codon 699 is replaced by tryptophan, an amino acid with highly dissimilar properties. This amino acid position is conserved. In addition, this alteration is predicted to be deleterious by in silico analysis. Based on the available evidence, the clinical significance of this variant remains unclear.